The following is an entry in ClinVar:

ClinVar aggregate classification (germline): Uncertain significance (1 of 4 stars; one submission).

gnomAD v4.1: 2 of 1,497,532 alleles (0.00013%); highest among the groups gnomAD compares: African/African-American, 0.0029%; no homozygotes.

Submission:

Dasa
Classification: Uncertain significance. Last evaluated: 2026-05-03. Review status: criteria provided, single submitter. Criteria: DASA Assertion Criteria. Collection method: clinical testing. Allele origin: germline.
Comment: NM_006015.6(ARID1A):c.578A>C (p.Glu193Ala) is a missense variant that results in the substitution of glutamic acid with alanine. This variant is rare in population databases. Computational prediction algorithms are consistent with a benign effect. The currently available literature and clinical evidence are not sufficient to establish a definitive association between this variant and the reported condition. Therefore, this variant is classified as a variant of uncertain significance.

NM_006015.6(ARID1A):c.578A>C (p.Glu193Ala)

Gene: ARID1A (AT-rich interaction domain 1A; plus strand). Cytogenetic location: 1p36.11.
Variant type: single nucleotide variant.
Coding change: c.578A>C on transcript NM_006015.6 (MANE Select); coding-DNA position 578, A replaced by C.
Protein change: p.Glu193Ala; replaces glutamic acid 193 with alanine.
Molecular consequence: missense variant.
Genome position (GRCh38, 1-based): chr1:26,696,981, A>C. VCF-style: chr1-26696981-A-C. GRCh37 (hg19) VCF-style: chr1-27023472-A-C.
Other names: c.578A>C, p.Glu193Ala (NM_139135.4); short protein forms E193A.
Identifiers: ClinVar variation 5020642 (VCV005020642.1).